The following is an entry in ClinVar:

ClinVar aggregate classification (germline): Uncertain significance (1 of 4 stars; one submission).

Conditions:
Autosomal dominant nonsyndromic hearing loss 1. Also called: KONIGSMARK SYNDROME; DEAFNESS, AUTOSOMAL DOMINANT 1, WITH OR WITHOUT THROMBOCYTOPENIA. Identifiers: Orphanet 90635, MedGen C1852282, MONDO:0007424, OMIM 124900.
Progressive microcephaly-seizures-cortical blindness-developmental delay syndrome. Also called: Seizures, cortical blindness, and microcephaly syndrome. Identifiers: Orphanet 477814, MedGen C5567650, MONDO:0014714, OMIM 616632.

Submission:

Labcorp Genetics (formerly Invitae), Labcorp
Classification: Uncertain significance for Progressive microcephaly-seizures-cortical blindness-developmental delay syndrome; Autosomal dominant nonsyndromic hearing loss 1. Last evaluated: 2020-12-21. Review status: criteria provided, single submitter. Criteria: Invitae Variant Classification Sherloc (09022015). Collection method: clinical testing. Allele origin: germline.
Comment: Algorithms developed to predict the effect of missense changes on protein structure and function are either unavailable or do not agree on the potential impact of this missense change (SIFT: "Deleterious"; PolyPhen-2: "Not Available"; Align-GVGD: "Class C0"). In summary, the available evidence is currently insufficient to determine the role of this variant in disease. Therefore, it has been classified as a Variant of Uncertain Significance. This sequence change replaces tyrosine with histidine at codon 209 of the DIAPH1 protein (p.Tyr209His). The tyrosine residue is moderately conserved and there is a moderate physicochemical difference between tyrosine and histidine. This variant is not present in population databases (ExAC no frequency). This variant has not been reported in the literature in individuals with DIAPH1-related conditions.

NM_005219.5(DIAPH1):c.625T>C (p.Tyr209His)

Gene: DIAPH1 (diaphanous related formin 1; minus strand). Cytogenetic location: 5q31.3.
Variant type: single nucleotide variant.
Coding change: c.625T>C on transcript NM_005219.5 (MANE Select); coding-DNA position 625, T replaced by C.
Protein change: p.Tyr209His; replaces tyrosine 209 with histidine.
Molecular consequence: missense variant.
Genome position (GRCh38, 1-based): chr5:141,582,371, A>G on the plus strand (T>C on the coding strand, the complement: DIAPH1 is on the minus strand). VCF-style: chr5-141582371-A-G. GRCh37 (hg19) VCF-style: chr5-140961938-A-G.
Other names: c.598T>C, p.Tyr200His (NM_001079812.3); c.625T>C, p.Tyr209His (NM_001314007.2); short protein forms Y209H, Y200H.
Identifiers: ClinVar variation 1351816 (VCV001351816.8), dbSNP rs2154596563, ClinGen allele CA361540072.